The following is an entry in ClinVar:

NM_000152.5(GAA):c.1326G>A (p.Val442=)

Gene: GAA (alpha glucosidase; plus strand). Cytogenetic location: 17q25.3.
Variant type: single nucleotide variant.
Coding change: c.1326G>A on transcript NM_000152.5 (MANE Select); coding-DNA position 1326, G replaced by A.
Protein change: p.Val442=; no amino-acid change (valine 442 retained).
Molecular consequence: synonymous variant.
Genome position (GRCh38, 1-based): chr17:80,108,828, G>A. VCF-style: chr17-80108828-G-A. GRCh37 (hg19) VCF-style: chr17-78082627-G-A.
Other names: c.1326G>A, p.Val442= (NM_001079803.3, NM_001079804.3, NM_001406741.1 and 1 more transcripts).
Identifiers: ClinVar variation 2142776 (VCV002142776.1), dbSNP rs773471300, ClinGen allele CA8815263.
Genomic context (GRCh38, chr17:80,108,828, plus strand): 5'-GGACTTCCCGGCCATGGTGCAGGAGCTGCACCAGGGCGGCCGGCGCTACATGATGATCGT[G>A]GTGTGTGCCCCCACACTGTGGGTCTTTGGGAAGGGGGCCGCCCGGTGCCCAGTGGCTCCT-3'
Protein context (NP_000143.2, residues 432-452): HQGGRRYMMI[Val442=]DPAISSSGPA

ClinVar aggregate classification (germline): Uncertain significance (1 of 4 stars; one submission).

Conditions:
Glycogen storage disease, type II (IOPD). Also called: ACID ALPHA-GLUCOSIDASE DEFICIENCY, INFANTILE-ONSET; GAA DEFICIENCY, INFANTILE-ONSET; ACID MALTASE DEFICIENCY, INFANTILE-ONSET; POMPE DISEASE, INFANTILE-ONSET; GLYCOGEN STORAGE DISEASE II, INFANTILE-ONSET; Glucosidase acid-1,4-alpha deficiency. Identifiers: Orphanet 365, MedGen C0017921, MONDO:0009290, OMIM 232300.

Allele frequency attached by ClinVar (database versions not stated): gnomAD exomes below 0.00001.
gnomAD v4.1: 2 of 1,588,808 alleles (0.00013%); highest among the groups gnomAD compares: South Asian, 0.0023%; no homozygotes.

Submission:

Labcorp Genetics (formerly Invitae), Labcorp
Classification: Uncertain significance for Glycogen storage disease, type II. Last evaluated: 2021-04-12. Review status: criteria provided, single submitter. Criteria: Invitae Variant Classification Sherloc (09022015). Collection method: clinical testing. Allele origin: germline.
Comment: This sequence change affects codon 442 of the GAA mRNA. It is a 'silent' change, meaning that it does not change the encoded amino acid sequence of the GAA protein. This variant also falls at the last nucleotide of exon 8, which is part of the consensus splice site for this exon. The frequency data for this variant in the population databases is considered unreliable, as metrics indicate poor data quality at this position in the ExAC database. This variant has not been reported in the literature in individuals with GAA-related conditions. Nucleotide substitutions within the consensus splice site are a relatively common cause of aberrant splicing (PMID: 17576681, 9536098). Algorithms developed to predict the effect of sequence changes on RNA splicing suggest that this variant may disrupt the consensus splice site, but this prediction has not been confirmed by published transcriptional studies. In summary, the available evidence is currently insufficient to determine the role of this variant in disease. Therefore, it has been classified as a Variant of Uncertain Significance.

Literature cited by the submitters: PubMed 17576681; PubMed 9536098.